The following is an entry in ClinVar:

ClinVar aggregate classification (germline): Uncertain significance. Review status: criteria provided, multiple submitters, no conflicts (2 of 4 stars). 2 submissions from 2 submitters: Uncertain significance (2). Last evaluated 2024-02-23.

Conditions:
Autosomal dominant Parkinson disease 8. Also called: Parkinson disease 8, susceptibility to; LRRK2-Related Parkinson Disease; Parkinson disease 8. Identifiers: Orphanet 411602, MedGen C1846862, MONDO:0011764, OMIM 607060.

Allele frequency attached by ClinVar (database versions not stated): TOPMed below 0.00001; gnomAD 0.00001; gnomAD exomes 0.00001.

Submissions (2):

Labcorp Genetics (formerly Invitae), Labcorp
Classification: Uncertain significance for Autosomal dominant Parkinson disease 8. Last evaluated: 2024-02-23. Review status: criteria provided, single submitter. Criteria: Invitae Variant Classification Sherloc (09022015). Collection method: clinical testing. Allele origin: germline.
Comment: This sequence change replaces methionine, which is neutral and non-polar, with arginine, which is basic and polar, at codon 167 of the LRRK2 protein (p.Met167Arg). This variant is not present in population databases (gnomAD no frequency). This variant has not been reported in the literature in individuals affected with LRRK2-related conditions. ClinVar contains an entry for this variant (Variation ID: 1381407). Advanced modeling of protein sequence and biophysical properties (such as structural, functional, and spatial information, amino acid conservation, physicochemical variation, residue mobility, and thermodynamic stability) has been performed at Invitae for this missense variant, however the output from this modeling did not meet the statistical confidence thresholds required to predict the impact of this variant on LRRK2 protein function. In summary, the available evidence is currently insufficient to determine the role of this variant in disease. Therefore, it has been classified as a Variant of Uncertain Significance.

Fulgent Genetics
Classification: Uncertain significance for Autosomal dominant Parkinson disease 8. Last evaluated: 2021-08-02. Review status: criteria provided, single submitter. Criteria: ACMG Guidelines, 2015. Collection method: clinical testing. Allele origin: unknown.

NM_198578.4(LRRK2):c.500T>G (p.Met167Arg)

Gene: LRRK2 (leucine rich repeat kinase 2; plus strand). Cytogenetic location: 12q12.
Variant type: single nucleotide variant.
Coding change: c.500T>G on transcript NM_198578.4 (MANE Select); coding-DNA position 500, T replaced by G.
Protein change: p.Met167Arg; replaces methionine 167 with arginine.
Molecular consequence: missense variant.
Genome position (GRCh38, 1-based): chr12:40,238,032, T>G. VCF-style: chr12-40238032-T-G. GRCh37 (hg19) VCF-style: chr12-40631834-T-G.
Other names: short protein forms M167R.
Identifiers: ClinVar variation 1381407 (VCV001381407.9), dbSNP rs201411683, ClinGen allele CA235352016.
Genomic context (GRCh38, chr12:40,238,032, plus strand): 5'-AAATCACCTTGCTGATATTGGATGAAGAAAGTGATATTTTCATGTTAATTTTTGATGCCA[T>G]GCACTCATTTCCAGCCAATGATGAAGTCCAGAAACTTGGATGCAAAGCTTTACATGTGCT-3'
Protein context (NP_940980.4, residues 157-177): SDIFMLIFDA[Met167Arg]HSFPANDEVQ